The following is an entry in ClinVar:

ClinVar aggregate classification (germline): Uncertain significance (1 of 4 stars; one submission).

Conditions:
Hereditary diffuse gastric adenocarcinoma (HDGC). Also called: DIFFUSE GASTRIC AND LOBULAR BREAST CANCER SYNDROME. Identifiers: Orphanet 26106, MedGen C1708349, MONDO:0007648, OMIM 137215.

Submission:

Labcorp Genetics (formerly Invitae), Labcorp
Classification: Uncertain significance for Hereditary diffuse gastric adenocarcinoma. Last evaluated: 2024-04-29. Review status: criteria provided, single submitter. Criteria: Invitae Variant Classification Sherloc (09022015). Collection method: clinical testing. Allele origin: germline.
Comment: This sequence change replaces valine, which is neutral and non-polar, with glycine, which is neutral and non-polar, at codon 41 of the CDH1 protein (p.Val41Gly). This variant is not present in population databases (gnomAD no frequency). This variant has not been reported in the literature in individuals affected with CDH1-related conditions. ClinVar contains an entry for this variant (Variation ID: 2102174). An algorithm developed to predict the effect of missense changes on protein structure and function (PolyPhen-2) suggests that this variant is likely to be disruptive. In summary, the available evidence is currently insufficient to determine the role of this variant in disease. Therefore, it has been classified as a Variant of Uncertain Significance.

NM_004360.5(CDH1):c.122T>G (p.Val41Gly)

Gene: CDH1 (cadherin 1; plus strand). Cytogenetic location: 16q22.1.
Variant type: single nucleotide variant.
Coding change: c.122T>G on transcript NM_004360.5 (MANE Select); coding-DNA position 122, T replaced by G.
Protein change: p.Val41Gly; replaces valine 41 with glycine.
Molecular consequence: missense variant. On other transcripts: 5 prime UTR variant (2).
Genome position (GRCh38, 1-based): chr16:68,738,370, T>G. VCF-style: chr16-68738370-T-G. GRCh37 (hg19) VCF-style: chr16-68772273-T-G.
Other names: c.122T>G, p.Val41Gly (NM_001317184.2); c.-1494T>G (NM_001317185.2); c.-1698T>G (NM_001317186.2); short protein forms V41G.
Identifiers: ClinVar variation 2102174 (VCV002102174.4), dbSNP rs2152114435, ClinGen allele CA396452127.